The following is an entry in ClinVar:

NM_000132.4(F8):c.2110C>T (p.Pro704Ser)

Gene: F8 (coagulation factor VIII; minus strand). Cytogenetic location: Xq28.
Variant type: single nucleotide variant.
Coding change: c.2110C>T on transcript NM_000132.4 (MANE Select); coding-DNA position 2110, C replaced by T.
Protein change: p.Pro704Ser; replaces proline 704 with serine.
Molecular consequence: missense variant.
Genome position (GRCh38, 1-based): chrX:154,947,701, G>A on the plus strand (C>T on the coding strand, the complement: F8 is on the minus strand). VCF-style: chrX-154947701-G-A. GRCh37 (hg19) VCF-style: chrX-154175976-G-A.
Other names: short protein forms P704S.
Identifiers: ClinVar variation 3766993 (VCV003766993.1).

ClinVar aggregate classification (germline): Uncertain significance (1 of 4 stars; one submission).

Submission:

ARUP Laboratories, Molecular Genetics and Genomics, ARUP Laboratories
Classification: Uncertain significance. Last evaluated: 2024-01-16. Review status: criteria provided, single submitter. Criteria: ARUP Molecular Germline Variant Investigation Process 2024. Collection method: clinical testing. Allele origin: germline.
Comment: The F8 c.2110C>T; p.Pro704Ser variant (rs782690054) is reported in the literature in three individuals affected with hemophilia A (see F8 database and reference therein). This variant is absent from the Genome Aggregation Database (v2.1.1), indicating it is not a common polymorphism. Computational analyses predict that this variant is deleterious (REVEL: 0.773). However, given the lack of clinical and functional data, the significance of this variant is uncertain at this time. References: Link to F8 database